The following is an entry in ClinVar:

ClinVar aggregate classification (germline): Uncertain significance (1 of 4 stars; one submission).

Conditions:
Mucopolysaccharidosis, MPS-III-C (MPS3C). Also called: SANFILIPPO SYNDROME C; MPS III C; MPS IIIC (Sanfilippo Syndrome Type C); MUCOPOLYSACCHARIDOSIS, TYPE IIIC; Mucopolysaccharidosis type IIIC (Sanfilippo C); mucopolysaccharidosis type 3C. Identifiers: Orphanet 581, Orphanet 79271, MedGen C0086649, MONDO:0009657, OMIM 252930.
Retinitis pigmentosa 73 (RP73). Identifiers: Orphanet 791, MedGen C4225287, MONDO:0014687, OMIM 616544.

Submission:

Labcorp Genetics (formerly Invitae), Labcorp
Classification: Uncertain significance for Retinitis pigmentosa 73; Mucopolysaccharidosis, MPS-III-C. Last evaluated: 2022-08-23. Review status: criteria provided, single submitter. Criteria: Invitae Variant Classification Sherloc (09022015). Collection method: clinical testing. Allele origin: germline.
Comment: This variant is not present in population databases (gnomAD no frequency). This variant has not been reported in the literature in individuals affected with HGSNAT-related conditions. ClinVar contains an entry for this variant (Variation ID: 1492242). Algorithms developed to predict the effect of missense changes on protein structure and function are either unavailable or do not agree on the potential impact of this missense change (SIFT: "Deleterious"; PolyPhen-2: "Possibly Damaging"; Align-GVGD: "Class C0"). In summary, the available evidence is currently insufficient to determine the role of this variant in disease. Therefore, it has been classified as a Variant of Uncertain Significance. This sequence change replaces valine, which is neutral and non-polar, with glycine, which is neutral and non-polar, at codon 87 of the HGSNAT protein (p.Val87Gly).

NM_152419.3(HGSNAT):c.260T>G (p.Val87Gly)

Gene: HGSNAT (heparan-alpha-glucosaminide N-acetyltransferase; plus strand). Cytogenetic location: 8p11.21.
Variant type: single nucleotide variant.
Coding change: c.260T>G on transcript NM_152419.3 (MANE Select); coding-DNA position 260, T replaced by G.
Protein change: p.Val87Gly; replaces valine 87 with glycine.
Molecular consequence: missense variant. On other transcripts: 5 prime UTR variant (1).
Genome position (GRCh38, 1-based): chr8:43,158,600, T>G. VCF-style: chr8-43158600-T-G. GRCh37 (hg19) VCF-style: chr8-43013743-T-G.
Other names: c.260T>G, p.Val87Gly (NM_001363227.2, NM_001363228.2); c.-574T>G (NM_001363229.2); short protein forms V87G.
Identifiers: ClinVar variation 1492242 (VCV001492242.8), dbSNP rs2130713856, ClinGen allele CA371125078.
Genomic context (GRCh38, chr8:43,158,600, plus strand): 5'-CTCTGGCGGTTGACCTGTTGTGCTTTTATTTACAGTGCTTGTTTCAGGTTCTGGTAAACG[T>G]TCCTCAGAGTCCAAAAGCAGGGAAGCCTAGTGCTGCAGCTGCCTCTGTCAGCACCCAGCA-3'
Protein context (NP_689632.2, residues 77-97): YHCLFQVLVN[Val87Gly]PQSPKAGKPS